The following is an entry in ClinVar:

ClinVar aggregate classification (germline): Likely benign (0 of 4 stars; one submission).

Conditions:
SLC6A4-related disorder. Also called: SLC6A4-related condition.

Allele frequency attached by ClinVar (database versions not stated): gnomAD exomes 0.00007; gnomAD 0.00009; TOPMed 0.00011; 1000 Genomes Project 30x 0.00016; ExAC 0.00016; 1000 Genomes Project 0.00020; ESP Exome Variant Server 0.00031.
gnomAD v4.1: 115 of 1,614,156 alleles (0.0071%); highest among the groups gnomAD compares: East Asian, 0.036%; no homozygotes.

Submission:

PreventionGenetics, part of Exact Sciences
Classification: Likely benign for SLC6A4-related condition. Last evaluated: 2019-04-26. Review status: no assertion criteria provided. Collection method: clinical testing. Allele origin: germline.
Comment: This variant is classified as likely benign based on ACMG/AMP sequence variant interpretation guidelines (Richards et al. 2015 PMID: 25741868, with internal and published modifications).

NM_001045.6(SLC6A4):c.165G>A (p.Ala55=)

Gene: SLC6A4 (solute carrier family 6 member 4; minus strand). Cytogenetic location: 17q11.2.
Variant type: single nucleotide variant.
Coding change: c.165G>A on transcript NM_001045.6 (MANE Select); coding-DNA position 165, G replaced by A.
Protein change: p.Ala55=; no amino-acid change (alanine 55 retained).
Molecular consequence: synonymous variant.
Genome position (GRCh38, 1-based): chr17:30,221,794, C>T on the plus strand (G>A on the coding strand, the complement: SLC6A4 is on the minus strand). VCF-style: chr17-30221794-C-T. GRCh37 (hg19) VCF-style: chr17-28548812-C-T.
Identifiers: ClinVar variation 3047658 (VCV003047658.2), dbSNP rs145183821, ClinGen allele CA8480490.
Genomic context (GRCh38, chr17:30,221,794, plus strand): 5'-ATGAAGCTCAGCCACTAGGGTGGTGGTGGTCGCTGGGATAGAGTGCCGTGTGTCATCTCC[C>T]GCACCAGGACTTGGAACTGCTGAGTACCCATTGGATATTTGCCCGGACTCCACTTTGTCC-3'
Protein context (NP_001036.1, residues 45-65): NGYSAVPSPG[Ala55=]GDDTRHSIPA